The following is an entry in ClinVar:

ClinVar aggregate classification (germline): Likely benign (0 of 4 stars; one submission).

Conditions:
FOXF2-related disorder. Also called: FOXF2-related condition.

Allele frequency attached by ClinVar (database versions not stated): TOPMed 0.00005; gnomAD 0.00022; gnomAD exomes 0.00037; 1000 Genomes Project 30x 0.00125; ExAC 0.00469.

Submission:

PreventionGenetics, part of Exact Sciences
Classification: Likely benign for FOXF2-related condition. Last evaluated: 2022-03-18. Review status: no assertion criteria provided. Collection method: clinical testing. Allele origin: germline.
Comment: This variant is classified as likely benign based on ACMG/AMP sequence variant interpretation guidelines (Richards et al. 2015 PMID: 25741868, with internal and published modifications).

NM_001452.2(FOXF2):c.812A>G (p.His271Arg)

Genes: FOXF2 (forkhead box F2; plus strand), FOXF2-DT (FOXF2 divergent transcript; minus strand). Cytogenetic location: 6p25.3.
Variant type: single nucleotide variant.
Coding change: c.812A>G on transcript NM_001452.2 (MANE Select); coding-DNA position 812, A replaced by G.
Protein change: p.His271Arg; replaces histidine 271 with arginine.
Molecular consequence: missense variant.
Genome position (GRCh38, 1-based): chr6:1,390,759, A>G. VCF-style: chr6-1390759-A-G. GRCh37 (hg19) VCF-style: chr6-1390994-A-G.
Other names: short protein forms H271R.
Identifiers: ClinVar variation 3033923 (VCV003033923.2), dbSNP rs570065652, ClinGen allele CA3614562.